The following is an entry in ClinVar:

NM_003073.5(SMARCB1):c.91G>T (p.Glu31Ter)

Gene: SMARCB1 (SWI/SNF related BAF chromatin remodeling complex subunit B1; plus strand). Cytogenetic location: 22q11.23.
Variant type: single nucleotide variant.
Coding change: c.91G>T on transcript NM_003073.5 (MANE Select); coding-DNA position 91, G replaced by T.
Protein change: p.Glu31Ter; replaces glutamic acid 31 with a stop codon.
Molecular consequence: nonsense.
Genome position (GRCh38, 1-based): chr22:23,787,260, G>T. VCF-style: chr22-23787260-G-T. GRCh37 (hg19) VCF-style: chr22-24129447-G-T.
Other names: c.91G>T, p.Glu31Ter (NM_001007468.3, NM_001317946.2, NM_001362877.2); short protein forms E31*.
Identifiers: ClinVar variation 1430166 (VCV001430166.7), dbSNP rs2145952184, ClinGen allele CA410931032.

ClinVar aggregate classification (germline): Pathogenic/Likely pathogenic. Review status: criteria provided, multiple submitters, no conflicts (2 of 4 stars). 2 submissions from 2 submitters: Pathogenic (1); Likely pathogenic (1). Last evaluated 2025-06-17.

Conditions:
Hereditary cancer-predisposing syndrome. Also called: Hereditary Cancer Syndrome; Hereditary neoplastic syndrome; Neoplastic Syndromes, Hereditary; Tumor predisposition. Identifiers: Orphanet 140162, MedGen C0027672, MeSH D009386, MONDO:0015356.

Submissions (2):

Institute for Genomic Medicine (IGM) Clinical Laboratory, Nationwide Children's Hospital
Classification: Likely pathogenic for Hereditary cancer-predisposing syndrome. Last evaluated: 2025-06-17. Review status: criteria provided, single submitter. Criteria: ACMG Guidelines, 2015. Collection method: clinical testing. Allele origin: germline.
Comment: This variant is predicted to result in loss of function through nonsense-mediated decay of the encoded transcript or premature truncation of the encoded protein in a gene in which loss of function is a known mechanism of disease (ACMG/AMP: PVS1; PMIDs:21108436, 29706634). This variant is absent from or present at an exceedingly low frequency in gnomAD, a large-scale control population database (ACMG/AMP: PM2).

Labcorp Genetics (formerly Invitae), Labcorp
Classification: Pathogenic. Last evaluated: 2021-10-02. Review status: criteria provided, single submitter. Criteria: Invitae Variant Classification Sherloc (09022015). Collection method: clinical testing. Allele origin: germline.
Comment: This variant is not present in population databases (ExAC no frequency). For these reasons, this variant has been classified as Pathogenic. This premature translational stop signal has been observed in individual(s) with an atypical teratoid rhabdoid tumor (PMID: 31004861). This sequence change creates a premature translational stop signal (p.Glu31*) in the SMARCB1 gene. It is expected to result in an absent or disrupted protein product. Loss-of-function variants in SMARCB1 are known to be pathogenic (PMID: 10521299, 21208904).

Literature cited by the submitters: PubMed 21108436 (cited by Institute for Genomic Medicine (IGM) Clinical Laboratory, Nationwide Children's Hospital); PubMed 29706634 (cited by Institute for Genomic Medicine (IGM) Clinical Laboratory, Nationwide Children's Hospital); PubMed 31004861 (cited by Labcorp Genetics (formerly Invitae), Labcorp); PubMed 10521299 (cited by Labcorp Genetics (formerly Invitae), Labcorp); PubMed 21208904 (cited by Labcorp Genetics (formerly Invitae), Labcorp).